The following is an entry in ClinVar:

NM_003737.4(DCHS1):c.9001C>A (p.His3001Asn)

Gene: DCHS1 (dachsous cadherin-related 1; minus strand). Cytogenetic location: 11p15.4.
Variant type: single nucleotide variant.
Coding change: c.9001C>A on transcript NM_003737.4 (MANE Select); coding-DNA position 9001, C replaced by A.
Protein change: p.His3001Asn; replaces histidine 3001 with asparagine.
Molecular consequence: missense variant.
Genome position (GRCh38, 1-based): chr11:6,622,675, G>T on the plus strand (C>A on the coding strand, the complement: DCHS1 is on the minus strand). VCF-style: chr11-6622675-G-T. GRCh37 (hg19) VCF-style: chr11-6643906-G-T.
Other names: short protein forms H3001N.
Identifiers: ClinVar variation 1193028 (VCV001193028.7), dbSNP rs780578129, ClinGen allele CA5859314.

ClinVar aggregate classification (germline): Uncertain significance. Review status: criteria provided, multiple submitters, no conflicts (2 of 4 stars). 2 submissions from 2 submitters: Uncertain significance (2). Last evaluated 2025-04-29.

Allele frequency attached by ClinVar (database versions not stated): gnomAD 0.00001; gnomAD exomes 0.00001; ExAC 0.00002; TOPMed 0.00002.
gnomAD v4.1: 16 of 1,594,314 alleles (0.001%); highest among the groups gnomAD compares: African/African-American, 0.0013%; no homozygotes.

Submissions (2):

Labcorp Genetics (formerly Invitae), Labcorp
Classification: Uncertain significance. Last evaluated: 2025-04-29. Review status: criteria provided, single submitter. Criteria: Invitae Variant Classification Sherloc (09022015). Collection method: clinical testing. Allele origin: germline.
Comment: This sequence change replaces histidine, which is basic and polar, with asparagine, which is neutral and polar, at codon 3001 of the DCHS1 protein (p.His3001Asn). The frequency data for this variant in the population databases is considered unreliable, as metrics indicate poor data quality at this position in the gnomAD database. This variant has not been reported in the literature in individuals affected with DCHS1-related conditions. ClinVar contains an entry for this variant (Variation ID: 1193028). Invitae Evidence Modeling of protein sequence and biophysical properties (such as structural, functional, and spatial information, amino acid conservation, physicochemical variation, residue mobility, and thermodynamic stability) indicates that this missense variant is not expected to disrupt DCHS1 protein function with a negative predictive value of 80%. In summary, the available evidence is currently insufficient to determine the role of this variant in disease. Therefore, it has been classified as a Variant of Uncertain Significance.

GeneDx
Classification: Uncertain significance. Last evaluated: 2020-11-12. Review status: criteria provided, single submitter. Criteria: GeneDx Variant Classification Process June 2021. Collection method: clinical testing. Allele origin: germline. Affected: yes.
Comment: Not observed at a significant frequency in large population cohorts (Lek et al., 2016); In silico analysis supports that this missense variant does not alter protein structure/function; Has not been previously published as pathogenic or benign to our knowledge